The following is an entry in ClinVar:

NM_000108.5(DLD):c.105C>A (p.Tyr35Ter)

Gene: DLD (dihydrolipoamide dehydrogenase; plus strand). Cytogenetic location: 7q31.1.
Variant type: single nucleotide variant.
Coding change: c.105C>A on transcript NM_000108.5 (MANE Select); coding-DNA position 105, C replaced by A.
Protein change: p.Tyr35Ter; replaces tyrosine 35 with a stop codon.
Molecular consequence: nonsense. On other transcripts: 5 prime UTR variant (1).
Genome position (GRCh38, 1-based): chr7:107,893,265, C>A. VCF-style: chr7-107893265-C-A. GRCh37 (hg19) VCF-style: chr7-107533710-C-A.
Other names: c.-44C>A (NM_001289750.1); c.105C>A, p.Tyr35Ter (NM_001289751.1, NM_001289752.1); short protein forms Y35*.
Identifiers: ClinVar variation 2914891 (VCV002914891.3), dbSNP rs747810875, ClinGen allele CA368853036.

ClinVar aggregate classification (germline): Pathogenic (1 of 4 stars; one submission).

Conditions:
Pyruvate dehydrogenase E3 deficiency (DLDD). Also called: Dihydrolipoamide Dehydrogenase (E3) Deficiency; Dihydrolipoamide Dehydrogenase Deficiency; DLD DEFICIENCY; E3 DEFICIENCY; Dihydrolipoamide Dehydrogenase E3 Deficiency; MAPLE SYRUP URINE DISEASE, TYPE III. Identifiers: Orphanet 2394, Orphanet 765, MedGen C5574660, MONDO:0009529, OMIM 246900.

gnomAD v4.1: 1 of 1,612,626 alleles (0.000062%); highest among the groups gnomAD compares: Non-Finnish European, 0.000085%; no homozygotes.

Submission:

Labcorp Genetics (formerly Invitae), Labcorp
Classification: Pathogenic for Pyruvate dehydrogenase E3 deficiency. Last evaluated: 2024-01-04. Review status: criteria provided, single submitter. Criteria: Invitae Variant Classification Sherloc (09022015). Collection method: clinical testing. Allele origin: germline.
Comment: This sequence change creates a premature translational stop signal (p.Tyr35*) in the DLD gene. It is expected to result in an absent or disrupted protein product. Loss-of-function variants in DLD are known to be pathogenic (PMID: 8968745, 9934985). This variant is not present in population databases (gnomAD no frequency). This premature translational stop signal has been observed in individual(s) with dihydrolipoamide dehydrogenase deficiency (PMID: 8968745, 9298831). For these reasons, this variant has been classified as Pathogenic.

Literature cited by the submitters: PubMed 8968745; PubMed 9934985; PubMed 9298831.